The following is an entry in ClinVar:

NM_002087.4(GRN):c.359C>A (p.Ser120Tyr)

Gene: GRN (granulin precursor; plus strand). Cytogenetic location: 17q21.31.
Variant type: single nucleotide variant.
Coding change: c.359C>A on transcript NM_002087.4 (MANE Select); coding-DNA position 359, C replaced by A.
Protein change: p.Ser120Tyr; replaces serine 120 with tyrosine.
Molecular consequence: missense variant.
Genome position (GRCh38, 1-based): chr17:44,350,237, C>A. VCF-style: chr17-44350237-C-A. GRCh37 (hg19) VCF-style: chr17-42427605-C-A.
Other names: short protein forms S120Y.
Identifiers: ClinVar variation 98135 (VCV000098135.71), dbSNP rs63750043, ClinGen allele CA225234.

ClinVar aggregate classification (germline): Benign/Likely benign. Review status: criteria provided, multiple submitters, no conflicts (2 of 4 stars). 12 submissions from 12 submitters: Benign (1); Likely benign (7). 4 of the submissions do not count toward it. Last evaluated 2026-01-08.

Conditions:
Inborn genetic diseases. Identifiers: MedGen C0950123, MeSH D030342.
GRN-related frontotemporal lobar degeneration with Tdp43 inclusions (FTD2). Also called: GRN Frontotemporal Dementia; FRONTOTEMPORAL LOBAR DEGENERATION WITH UBIQUITIN-POSITIVE INCLUSIONS; FTLD-TDP, GRN-RELATED; FRONTOTEMPORAL DEMENTIA WITH TDP43 INCLUSIONS, GRN-RELATED; DEMENTIA, HEREDITARY DYSPHASIC DISINHIBITION. Identifiers: Orphanet 100070, Orphanet 282, MedGen C1843792, MONDO:0011842, OMIM 607485. Disease mechanism: loss of function.
Neuronal ceroid lipofuscinosis 11. Also called: GRN-Related Neuronal Ceroid-Lipofuscinosis. Identifiers: Orphanet 314629, Orphanet 79262, MedGen C3539123, MONDO:0013866, OMIM 614706.

Allele frequency attached by ClinVar (database versions not stated): ESP Exome Variant Server 0.00015; ExAC 0.00082; gnomAD exomes 0.00105 and 0.00062; TOPMed 0.00061; gnomAD 0.00076.
gnomAD v4.1: 1,067 of 1,612,426 alleles (0.066%); highest among the groups gnomAD compares: Middle Eastern, 1.4%; 8 homozygotes.

Submissions (12):

Labcorp Genetics (formerly Invitae), Labcorp
Classification: Likely benign for Neuronal ceroid lipofuscinosis 11; GRN-related frontotemporal lobar degeneration with Tdp43 inclusions. Last evaluated: 2026-01-08. Review status: criteria provided, single submitter. Criteria: Invitae Variant Classification Sherloc (09022015). Collection method: clinical testing. Allele origin: germline.

Blueprint Genetics
Classification: Likely benign. Last evaluated: 2024-11-25. Review status: criteria provided, single submitter. Criteria: ACMG Guidelines, 2015. Collection method: clinical testing. Allele origin: germline.

CeGaT Center for Human Genetics Tuebingen
Classification: Likely benign. Last evaluated: 2024-01-01. Review status: criteria provided, single submitter. Criteria: CeGaT Center For Human Genetics Tuebingen Variant Classification Criteria Version 2. Collection method: clinical testing. Allele origin: germline. Affected: yes. Observed: 6 variant alleles.
Comment: GRN: BP4, BS2

GeneDx
Classification: Likely benign. Last evaluated: 2020-06-29. Review status: criteria provided, single submitter. Criteria: GeneDx Variant Classification Process June 2021. Collection method: clinical testing. Allele origin: germline. Affected: yes.
Comment: This variant is associated with the following publications: (PMID: 31996268, 32507413, 18328591, 29956270, 27997711, 22781549, 20020531, 26075876, 27884173, 17371905, 18245784, 19632744)

Ambry Genetics
Classification: Likely benign for Inborn genetic diseases. Last evaluated: 2019-04-15. Review status: criteria provided, single submitter. Criteria: Ambry Variant Classification Scheme 2023. Collection method: clinical testing. Allele origin: germline.

Athena Diagnostics
Classification: Benign. Last evaluated: 2017-10-09. Review status: criteria provided, single submitter. Criteria: Athena Diagnostics Criteria. Collection method: clinical testing. Allele origin: germline.

Illumina Laboratory Services, Illumina
Classification: Likely benign for GRN-related frontotemporal lobar degeneration with Tdp43 inclusions. Last evaluated: 2017-04-27. Review status: criteria provided, single submitter. Criteria: ICSL Variant Classification Criteria 13 December 2019. Collection method: clinical testing. Allele origin: germline.
Comment: This variant was observed as part of a predisposition screen in an ostensibly healthy population. A literature search was performed for the gene, cDNA change, and amino acid change (where applicable). Publications were found based on this search. The evidence from the literature, in combination with allele frequency data from public databases where available, was sufficient to determine this variant is unlikely to cause disease. Therefore, this variant is classified as likely benign.

Breakthrough Genomics
Classification: Likely benign. Review status: criteria provided, single submitter. Criteria: ACMG Guidelines, 2015. Collection method: not provided. Allele origin: germline. Inheritance: Autosomal recessive inheritance. Affected: yes.

Mayo Clinic Laboratories, Mayo Clinic
Classification: Uncertain significance. Last evaluated: 2017-11-03. Review status: no assertion criteria provided. Collection method: clinical testing. Allele origin: unknown. Not counted in ClinVar's aggregate classification.

Clinical Genetics DNA and cytogenetics Diagnostics Lab, Erasmus MC, Erasmus Medical Center
Classification: Uncertain significance. Review status: no assertion criteria provided. Collection method: clinical testing. Allele origin: germline. Affected: yes. Study: VKGL Data-share Consensus. Not counted in ClinVar's aggregate classification.

Diagnostic Laboratory, Department of Genetics, University Medical Center Groningen
Classification: Uncertain significance. Review status: no assertion criteria provided. Collection method: clinical testing. Allele origin: germline. Affected: yes. Study: VKGL Data-share Consensus. Not counted in ClinVar's aggregate classification.

VIB  Department of Molecular Genetics, University of Antwerp
No classification provided. Review status: no classification provided. Collection method: not provided. Allele origin: unknown. Not counted in ClinVar's aggregate classification.

Literature cited by the submitters: PubMed 17371905 (cited by 3 submitters); PubMed 19632744 (cited by 3 submitters); PubMed 20020531 (cited by Ambry Genetics and Athena Diagnostics); PubMed 22781549 (cited by Ambry Genetics and Athena Diagnostics); PubMed 27632209 (cited by Ambry Genetics); PubMed 27997711 (cited by Ambry Genetics); PubMed 27884173 (cited by Athena Diagnostics); PubMed 26075876 (cited by Athena Diagnostics); PubMed 18245784 (cited by Athena Diagnostics).